The following is an entry in ClinVar:

ClinVar aggregate classification (germline): Uncertain significance (1 of 4 stars; one submission).

Allele frequency attached by ClinVar (database versions not stated): gnomAD exomes below 0.00001.

Submission:

GeneDx
Classification: Uncertain significance. Last evaluated: 2019-12-05. Review status: criteria provided, single submitter. Criteria: GeneDx Variant Classification Process June 2021. Collection method: clinical testing. Allele origin: germline. Affected: yes.
Comment: Not observed in large population cohorts (Lek et al., 2016); In silico analysis, which includes protein predictors and evolutionary conservation, supports that this variant does not alter protein structure/function; Has not been previously published as pathogenic or benign to our knowledge

NM_006180.6(NTRK2):c.488A>G (p.Gln163Arg)

Gene: NTRK2 (neurotrophic receptor tyrosine kinase 2; plus strand). Cytogenetic location: 9q21.33.
Variant type: single nucleotide variant.
Coding change: c.488A>G on transcript NM_006180.6 (MANE Select); coding-DNA position 488, A replaced by G.
Protein change: p.Gln163Arg; replaces glutamine 163 with arginine.
Molecular consequence: missense variant.
Genome position (GRCh38, 1-based): chr9:84,710,696, A>G. VCF-style: chr9-84710696-A-G. GRCh37 (hg19) VCF-style: chr9-87325611-A-G.
Other names: c.488A>G, p.Gln163Arg (NM_001007097.3, NM_001018064.3, NM_001018065.2 and 18 more transcripts); c.20A>G, p.Gln7Arg (NM_001369535.1, NM_001369536.1, NM_001369550.1 and 2 more transcripts); short protein forms Q163R, Q7R.
Identifiers: ClinVar variation 1310882 (VCV001310882.2), dbSNP rs2131831223, ClinGen allele CA374005823.